The following is an entry in ClinVar:

NM_001122630.2(CDKN1C):c.185G>A (p.Gly62Asp)

Gene: CDKN1C (cyclin dependent kinase inhibitor 1C; minus strand). Cytogenetic location: 11p15.4.
Variant type: single nucleotide variant.
Coding change: c.185G>A on transcript NM_001122630.2 (MANE Select); coding-DNA position 185, G replaced by A.
Protein change: p.Gly62Asp; replaces glycine 62 with aspartic acid.
Molecular consequence: missense variant.
Genome position (GRCh38, 1-based): chr11:2,885,272, C>T on the plus strand (G>A on the coding strand, the complement: CDKN1C is on the minus strand). VCF-style: chr11-2885272-C-T. GRCh37 (hg19) VCF-style: chr11-2906502-C-T.
Other names: c.218G>A, p.Gly73Asp (NM_000076.2, NM_001362474.2, LRG_533t1); c.185G>A, p.Gly62Asp (NM_001122631.2, NM_001362475.2); short protein forms G73D, G62D.
Identifiers: ClinVar variation 404251 (VCV000404251.11), dbSNP rs1060500179, ClinGen allele CA16613556.

ClinVar aggregate classification (germline): Uncertain significance (1 of 4 stars; one submission).

Conditions:
Beckwith-Wiedemann syndrome (BWS). Also called: EMG SYNDROME; Exomphalos macroglossia gigantism syndrome. Identifiers: Orphanet 116, MedGen C0004903, MONDO:0007534, OMIM 130650.

Submission:

Labcorp Genetics (formerly Invitae), Labcorp
Classification: Uncertain significance for Beckwith-Wiedemann syndrome. Last evaluated: 2025-10-14. Review status: criteria provided, single submitter. Criteria: Invitae Variant Classification Sherloc (09022015). Collection method: clinical testing. Allele origin: germline.
Comment: This sequence change replaces glycine, which is neutral and non-polar, with aspartic acid, which is acidic and polar, at codon 73 of the CDKN1C protein (p.Gly73Asp). This variant is present in population databases (no rsID available, gnomAD 0.001%). This variant has not been reported in the literature in individuals affected with CDKN1C-related conditions. ClinVar contains an entry for this variant (Variation ID: 404251). Invitae Evidence Modeling of protein sequence and biophysical properties (such as structural, functional, and spatial information, amino acid conservation, physicochemical variation, residue mobility, and thermodynamic stability) has been performed for this missense variant. However, the output from this modeling did not meet the statistical confidence thresholds required to predict the impact of this variant on CDKN1C protein function. In summary, the available evidence is currently insufficient to determine the role of this variant in disease. Therefore, it has been classified as a Variant of Uncertain Significance.